The following is an entry in ClinVar:

ClinVar aggregate classification (germline): Uncertain significance (1 of 4 stars; one submission).

Conditions:
Paget disease of bone 2, early-onset (PDB2). Also called: Paget disease of bone 2. Identifiers: MedGen C4085251, MONDO:0011183, OMIM 602080.
Frontotemporal dementia and/or amyotrophic lateral sclerosis 1 (FTDALS1). Also called: C9orf72 Frontotemporal Dementia and/or Amyotrophic Lateral Sclerosis; Frontotemporal dementia with motor neuron disease 1. Identifiers: Orphanet 275872, MedGen C5779877, MONDO:0007105, OMIM 105550.

Allele frequency attached by ClinVar (database versions not stated): gnomAD exomes below 0.00001.
gnomAD v4.1: 4 of 1,614,102 alleles (0.00025%); highest among the groups gnomAD compares: Non-Finnish European, 0.00034%; no homozygotes.

Submission:

Labcorp Genetics (formerly Invitae), Labcorp
Classification: Uncertain significance for Paget disease of bone 2, early-onset; Frontotemporal dementia and/or amyotrophic lateral sclerosis 1. Last evaluated: 2022-08-17. Review status: criteria provided, single submitter. Criteria: Invitae Variant Classification Sherloc (09022015). Collection method: clinical testing. Allele origin: germline.
Comment: This sequence change replaces tyrosine, which is neutral and polar, with histidine, which is basic and polar, at codon 383 of the SQSTM1 protein (p.Tyr383His). In summary, the available evidence is currently insufficient to determine the role of this variant in disease. Therefore, it has been classified as a Variant of Uncertain Significance. Algorithms developed to predict the effect of missense changes on protein structure and function are either unavailable or do not agree on the potential impact of this missense change (SIFT: "Tolerated"; PolyPhen-2: "Probably Damaging"; Align-GVGD: "Class C0"). This variant has not been reported in the literature in individuals affected with SQSTM1-related conditions. This variant is present in population databases (no rsID available, gnomAD 0.0009%).

NM_003900.5(SQSTM1):c.1147T>C (p.Tyr383His)

Gene: SQSTM1 (sequestosome 1; plus strand). Cytogenetic location: 5q35.3.
Variant type: single nucleotide variant.
Coding change: c.1147T>C on transcript NM_003900.5 (MANE Select); coding-DNA position 1147, T replaced by C.
Protein change: p.Tyr383His; replaces tyrosine 383 with histidine.
Molecular consequence: missense variant.
Genome position (GRCh38, 1-based): chr5:179,833,764, T>C. VCF-style: chr5-179833764-T-C. GRCh37 (hg19) VCF-style: chr5-179260764-T-C.
Other names: c.895T>C, p.Tyr299His (NM_001142298.2, NM_001142299.2); short protein forms Y299H, Y383H.
Identifiers: ClinVar variation 2173990 (VCV002173990.4), dbSNP rs1296549814, ClinGen allele CA362453071.